The following is an entry in ClinVar:

ClinVar aggregate classification (germline): Pathogenic (1 of 4 stars; one submission).

Conditions:
Hereditary breast ovarian cancer syndrome. Also called: Hereditary breast and ovarian cancer; Hereditary breast and ovarian cancer syndrome (HBOC); Hereditary breast and/or ovarian cancer syndrome; BRCA1- and BRCA2-Associated Hereditary Breast and Ovarian Cancer; Hereditary breast and ovarian cancer syndrome; Breast and ovarian cancer. Identifiers: Orphanet 145, MedGen C0677776, MeSH D061325, MONDO:0003582. Disease mechanism: loss of function.

Submission:

Women's Health and Genetics/Laboratory Corporation of America, LabCorp
Classification: Pathogenic for Hereditary breast ovarian cancer syndrome. Last evaluated: 2021-08-11. Review status: criteria provided, single submitter. Criteria: LabCorp Variant Classification Summary - May 2015. Collection method: clinical testing. Allele origin: germline.
Comment: Variant summary: The variant identified by MLPA or other technology involves the deletion of exons 2-22 in the BRCA1 gene. A presumed nomenclature of c.(-20+1_-19-1)_(5467+1_5468-1)del has been designated for the purposes of this classification. Although exact breakpoints of this deletion are not known, it is expected to result in a large deletion in the BRCA1 gene, a known mechanism of disease. The variant was absent in 21694 control chromosomes (gnomAD, Structural Variants dataset). To our knowledge, no occurrence of deletion of exons 2-22 in individuals affected with Hereditary Breast And Ovarian Cancer Syndrome and no experimental evidence demonstrating its impact on protein function have been reported. One ClinVar submitter (evaluation after 2014) cites the variant as pathogenic. Based on the evidence outlined above, the variant was classified as pathogenic.

Literature cited by the submitters: PubMed 28595730; PubMed 17026620.

NC_000017.10:g.(41197820_41199659)_(41276133_41277287)del

Gene: BRCA1 (BRCA1 DNA repair associated; minus strand). Cytogenetic location: 17q21.31.
Variant type: Deletion.
Identifiers: ClinVar variation 1217237 (VCV001217237.1).